The following is an entry in ClinVar:

NM_001034853.2(RPGR):c.3377C>T (p.Ser1126Leu)

Gene: RPGR (retinitis pigmentosa GTPase regulator; minus strand). Cytogenetic location: Xp11.4.
Variant type: single nucleotide variant.
Coding change: c.3377C>T on transcript NM_001034853.2 (MANE Select); coding-DNA position 3377, C replaced by T.
Protein change: p.Ser1126Leu; replaces serine 1126 with leucine.
Molecular consequence: missense variant. On other transcripts: intron variant (8).
Genome position (GRCh38, 1-based): chrX:38,285,622, G>A on the plus strand (C>T on the coding strand, the complement: RPGR is on the minus strand). VCF-style: chrX-38285622-G-A. GRCh37 (hg19) VCF-style: chrX-38144875-G-A.
Other names: c.1569+5337C>T (NM_001367249.1, NM_001367250.1); c.1902+1472C>T (NM_001367245.1); c.1386+5337C>T (NM_001367251.1); c.1719+1472C>T (NM_001367246.1); c.1572+5337C>T (NM_001367247.1); c.1905+1472C>T (NM_000328.3); c.1602+5337C>T (NM_001367248.1); short protein forms S1126L.
Identifiers: ClinVar variation 2051629 (VCV002051629.4), dbSNP rs2519779875, ClinGen allele CA412726735.

ClinVar aggregate classification (germline): Uncertain significance (1 of 4 stars; one submission).

Conditions:
Primary ciliary dyskinesia. Also called: Ciliary dyskinesia. Identifiers: Orphanet 244, MedGen C0008780, MONDO:0016575, HP:0012265.

Submission:

Labcorp Genetics (formerly Invitae), Labcorp
Classification: Uncertain significance for Primary ciliary dyskinesia. Last evaluated: 2022-03-27. Review status: criteria provided, single submitter. Criteria: Invitae Variant Classification Sherloc (09022015). Collection method: clinical testing. Allele origin: germline.
Comment: This sequence change replaces serine, which is neutral and polar, with leucine, which is neutral and non-polar, at codon 1126 of the RPGR (ORF15) protein (p.Ser1126Leu). Experimental studies and prediction algorithms are not available or were not evaluated, and the functional significance of this variant is currently unknown. This variant is not present in population databases (gnomAD no frequency). This variant has not been reported in the literature in individuals affected with RPGR (ORF15)-related conditions. In summary, the available evidence is currently insufficient to determine the role of this variant in disease. Therefore, it has been classified as a Variant of Uncertain Significance.